The following is an entry in ClinVar:

NM_015425.6(POLR1A):c.1612-3dup

Genes: POLR1A (RNA polymerase I subunit A; minus strand), LOC126806264 (MED14-independent group 3 enhancer GRCh37_chr2:86296595-86297794; plus strand). Cytogenetic location: 2p11.2.
Variant type: Duplication.
Coding change: c.1612-3dup on transcript NM_015425.6 (MANE Select); 3 bases into the intron before coding-DNA position 1612, one base duplicated (C; older notation c.1612-3dupC).
Molecular consequence: intron variant.
Genome position (GRCh38, 1-based): chr2:86,070,275, G duplicated on the plus strand (C on the coding strand, the reverse complement: POLR1A is on the minus strand); the first of 3 consecutive G bases (chr2:86,070,275-86,070,277); duplicating any one gives the same sequence. VCF-style (leftmost placement, unchanged base first): chr2-86070274-T-TG. GRCh37 (hg19) VCF-style: chr2-86297397-T-TG.
Identifiers: ClinVar variation 2431838 (VCV002431838.2), dbSNP rs1192322744, ClinGen allele CA534228263.
Genomic context (GRCh38, chr2:86,070,274, plus strand): 5'-TGCAGTGTGGGCTGTCGGTTCAGTAGCAGAATGTCCCCATTCTTCACATGCCGGCACACC[T>TG]GGGAACAGAGTGGACAGGTGGGTGATCAGTGCAAACGTCAGTATCACCACGGCTCTTTCC-3'

ClinVar aggregate classification (germline): Uncertain significance (1 of 4 stars; one submission).

Conditions:
Acrofacial dysostosis Cincinnati type. Identifiers: Orphanet 1200, MedGen C4225317, MONDO:0014651, OMIM 616462.

Submission:

Laboratorio de Genetica e Diagnostico Molecular, Hospital Israelita Albert Einstein
Classification: Uncertain significance for Acrofacial dysostosis Cincinnati type. Last evaluated: 2023-01-27. Review status: criteria provided, single submitter. Criteria: ACMG Guidelines, 2015. Collection method: clinical testing. Allele origin: germline. Affected: yes.
Comment: ACMG classification criteria: PM2 supporting